The following is an entry in ClinVar:

NM_052813.5(CARD9):c.820G>A (p.Asp274Asn)

Gene: CARD9 (caspase recruitment domain family member 9; minus strand). Cytogenetic location: 9q34.3.
Variant type: single nucleotide variant.
Coding change: c.820G>A on transcript NM_052813.5 (MANE Select); coding-DNA position 820, G replaced by A.
Protein change: p.Asp274Asn; replaces aspartic acid 274 with asparagine.
Molecular consequence: missense variant.
Genome position (GRCh38, 1-based): chr9:136,370,425, C>T on the plus strand (G>A on the coding strand, the complement: CARD9 is on the minus strand). VCF-style: chr9-136370425-C-T. GRCh37 (hg19) VCF-style: chr9-139264877-C-T.
Other names: c.820G>A, p.Asp274Asn (NM_052814.4); short protein forms D274N.
Identifiers: ClinVar variation 1952755 (VCV001952755.4), dbSNP rs1439129616, ClinGen allele CA375544268.

ClinVar aggregate classification (germline): Uncertain significance (1 of 4 stars; one submission).

Conditions:
Predisposition to invasive fungal disease due to CARD9 deficiency (IMD103). Also called: CARD9 IMMUNODEFICIENCY; IMMUNODEFICIENCY 103, SUSCEPTIBILITY TO FUNGAL INFECTIONS; Candidiasis, familial, 2, autosomal recessive. Identifiers: Orphanet 457088, MedGen C1859353, MONDO:0008905, OMIM 212050.

Allele frequency attached by ClinVar (database versions not stated): gnomAD exomes 0.00001.
gnomAD v4.1: 10 of 1,610,984 alleles (0.00062%); highest among the groups gnomAD compares: Non-Finnish European, 0.00085%; no homozygotes.

Submission:

Labcorp Genetics (formerly Invitae), Labcorp
Classification: Uncertain significance for Predisposition to invasive fungal disease due to CARD9 deficiency. Last evaluated: 2024-10-25. Review status: criteria provided, single submitter. Criteria: Invitae Variant Classification Sherloc (09022015). Collection method: clinical testing. Allele origin: germline.
Comment: This sequence change replaces aspartic acid, which is acidic and polar, with asparagine, which is neutral and polar, at codon 274 of the CARD9 protein (p.Asp274Asn). This variant is present in population databases (no rsID available, gnomAD 0.0009%). This variant has not been reported in the literature in individuals affected with CARD9-related conditions. ClinVar contains an entry for this variant (Variation ID: 1952755). Invitae Evidence Modeling of protein sequence and biophysical properties (such as structural, functional, and spatial information, amino acid conservation, physicochemical variation, residue mobility, and thermodynamic stability) indicates that this missense variant is not expected to disrupt CARD9 protein function with a negative predictive value of 80%. In summary, the available evidence is currently insufficient to determine the role of this variant in disease. Therefore, it has been classified as a Variant of Uncertain Significance.